The following is an entry in ClinVar:

NM_005121.3(MED13):c.416T>C (p.Ile139Thr)

Gene: MED13 (mediator complex subunit 13; minus strand). Cytogenetic location: 17q23.2.
Variant type: single nucleotide variant.
Coding change: c.416T>C on transcript NM_005121.3 (MANE Select); coding-DNA position 416, T replaced by C.
Protein change: p.Ile139Thr; replaces isoleucine 139 with threonine.
Molecular consequence: missense variant.
Genome position (GRCh38, 1-based): chr17:62,052,591, A>G on the plus strand (T>C on the coding strand, the complement: MED13 is on the minus strand). VCF-style: chr17-62052591-A-G. GRCh37 (hg19) VCF-style: chr17-60129952-A-G.
Other names: short protein forms I139T.
Identifiers: ClinVar variation 2629917 (VCV002629917.1), dbSNP rs2509205224, ClinGen allele CA400786921.

ClinVar aggregate classification (germline): Uncertain significance (1 of 4 stars; one submission).

Conditions:
MED13-related disorder. Also called: MED13-related condition.

Allele frequency attached by ClinVar (database versions not stated): gnomAD exomes 0.00001.
gnomAD v4.1: 7 of 1,599,584 alleles (0.00044%); highest among the groups gnomAD compares: Non-Finnish European, 0.0006%; no homozygotes.

Submission:

PreventionGenetics, part of Exact Sciences
Classification: Uncertain significance for MED13-related condition. Last evaluated: 2023-01-25. Review status: criteria provided, single submitter. Criteria: ACMG Guidelines, 2015. Collection method: clinical testing. Allele origin: germline.
Comment: The MED13 c.416T>C variant is predicted to result in the amino acid substitution p.Ile139Thr. To our knowledge, this variant has not been reported in the literature or in a large population database, indicating this variant is rare. At this time, the clinical significance of this variant is uncertain due to the absence of conclusive functional and genetic evidence.